The following is an entry in ClinVar:

NM_005956.4(MTHFD1):c.1807G>T (p.Glu603Ter)

Gene: MTHFD1 (methylenetetrahydrofolate dehydrogenase, cyclohydrolase and formyltetrahydrofolate synthetase 1; plus strand). Cytogenetic location: 14q23.3.
Variant type: single nucleotide variant.
Coding change: c.1807G>T on transcript NM_005956.4 (MANE Select); coding-DNA position 1807, G replaced by T.
Protein change: p.Glu603Ter; replaces glutamic acid 603 with a stop codon.
Molecular consequence: nonsense.
Genome position (GRCh38, 1-based): chr14:64,440,258, G>T. VCF-style: chr14-64440258-G-T. GRCh37 (hg19) VCF-style: chr14-64906976-G-T.
Other names: c.1807G>T, p.Glu603Ter (NM_001364837.1); short protein forms E603*.
Identifiers: ClinVar variation 2501176 (VCV002501176.1), dbSNP rs146862861, ClinGen allele CA389995981.

ClinVar aggregate classification (germline): Likely pathogenic (1 of 4 stars; one submission).

Conditions:
Severe combined immunodeficiency disease. Also called: Severe combined immunodeficiency; Severe Combined Immune Deficiency. Identifiers: Orphanet 183660, MedGen C0085110, MeSH D016511, MONDO:0015974, HP:0004430. Inheritance: X-Linked or Autosomal recessive.

Submission:

Women's Health and Genetics/Laboratory Corporation of America, LabCorp
Classification: Likely pathogenic for Severe combined immunodeficiency disease. Last evaluated: 2023-03-24. Review status: criteria provided, single submitter. Criteria: LabCorp Variant Classification Summary - May 2015. Collection method: clinical testing. Allele origin: germline.
Comment: Variant summary: MTHFD1 c.1807G>T (p.Glu603X) results in a premature termination codon, predicted to cause a truncation of the encoded protein or absence of the protein due to nonsense mediated decay, which are commonly known mechanisms for disease. The variant was absent in 251282 control chromosomes (gnomAD). To our knowledge, no occurrence of c.1807G>T in individuals affected with Severe Combined Immunodeficiency and no experimental evidence demonstrating its impact on protein function have been reported. No clinical diagnostic laboratories have submitted clinical-significance assessments for this variant to ClinVar after 2014. Based on the evidence outlined above, the variant was classified as likely pathogenic.